The following is an entry in ClinVar:

NM_000388.4(CASR):c.61G>A (p.Gly21Arg)

Gene: CASR (calcium sensing receptor; plus strand). Cytogenetic location: 3q21.1.
Variant type: single nucleotide variant.
Coding change: c.61G>A on transcript NM_000388.4 (MANE Select); coding-DNA position 61, G replaced by A.
Protein change: p.Gly21Arg; replaces glycine 21 with arginine.
Molecular consequence: missense variant.
Genome position (GRCh38, 1-based): chr3:122,254,250, G>A. VCF-style: chr3-122254250-G-A. GRCh37 (hg19) VCF-style: chr3-121973097-G-A.
Other names: c.61G>A, p.Gly21Arg (NM_001178065.2); c.61G>A (NM_001178065.1); short protein forms G21R.
Identifiers: ClinVar variation 420105 (VCV000420105.21), dbSNP rs1064794290, ClinGen allele CA16617810.

ClinVar aggregate classification (germline): Conflicting classifications of pathogenicity. Review status: criteria provided, conflicting classifications (1 of 4 stars). 10 submissions from 10 submitters: Pathogenic (2); Likely pathogenic (5); Uncertain significance (3). Last evaluated 2026-02-13.

Conditions:
Nephrolithiasis/nephrocalcinosis. Identifiers: MedGen CN580796.
CASR-related disorder. Also called: CASR-related condition.
Familial hypocalciuric hypercalcemia (FHH). Also called: Familial benign hypercalcemia. Identifiers: Orphanet 405, MedGen C1809471, MONDO:0018458.
Autosomal dominant hypocalcemia 1 (HYPOC1). Also called: HYPOCALCEMIA, FAMILIAL. Identifiers: MedGen C3715128, MONDO:0011013, OMIM 601198.
Familial hypocalciuric hypercalcemia 1. Also called: Hypercalcemia, familial benign type 1. Identifiers: Orphanet 405, Orphanet 93372, MedGen C0342637, MONDO:0007791, OMIM 145980.

Allele frequency attached by ClinVar (database versions not stated): gnomAD exomes below 0.00001.
gnomAD v4.1: 3 of 1,613,932 alleles (0.00019%); highest among the groups gnomAD compares: Non-Finnish European, 0.00025%; no homozygotes.

Submissions (10):

PreventionGenetics, part of Exact Sciences
Classification: Likely pathogenic for CASR-related condition. Last evaluated: 2026-02-13. Review status: criteria provided, single submitter. Criteria: ACMG Guidelines, 2015. Collection method: clinical testing. Allele origin: germline.
Comment: The CASR c.61G>A variant is predicted to result in the amino acid substitution p.Gly21Arg. This variant has been reported in at least two unrelated individuals to be causative for familial hypocalciuric hypercalcemia (FHH) (Nissen et al 2007. PubMed ID: 17698911; See Supplemental Table 4 in Vargas-Poussou R et al 2016. PubMed ID: 26963950). This variant has not been reported in a large population database, indicating this variant is rare. This variant is interpreted as likely pathogenic.

Labcorp Genetics (formerly Invitae), Labcorp
Classification: Pathogenic for Familial hypocalciuric hypercalcemia; Autosomal dominant hypocalcemia 1. Last evaluated: 2025-04-23. Review status: criteria provided, single submitter. Criteria: Invitae Variant Classification Sherloc (09022015). Collection method: clinical testing. Allele origin: germline.
Comment: This sequence change replaces glycine, which is neutral and non-polar, with arginine, which is basic and polar, at codon 21 of the CASR protein (p.Gly21Arg). This variant is not present in population databases (gnomAD no frequency). This missense change has been observed in individual(s) with familial hypocalciuric hypercalcemia and/or hyperparathyroidism (PMID: 17698911, 26963950; internal data). Invitae Evidence Modeling of clinical and family history, age, sex, and reported ancestry of multiple individuals with this CASR variant has been performed. This variant is expected to be pathogenic with a positive predictive value of at least 99%. This is a validated machine learning model that incorporates the clinical features of 646,172 individuals referred to our laboratory for CASR testing. ClinVar contains an entry for this variant (Variation ID: 420105). An algorithm developed to predict the effect of missense changes on protein structure and function (PolyPhen-2) suggests that this variant is likely to be disruptive. Algorithms developed to predict the effect of sequence changes on RNA splicing suggest that this variant may create or strengthen a splice site. For these reasons, this variant has been classified as Pathogenic.

Women's Health and Genetics/Laboratory Corporation of America, LabCorp
Classification: Pathogenic for Familial hypocalciuric hypercalcemia. Last evaluated: 2025-03-21. Review status: criteria provided, single submitter. Criteria: LabCorp Variant Classification Summary - May 2015. Collection method: clinical testing. Allele origin: germline.
Comment: Variant summary: CASR c.61G>A (p.Gly21Arg) results in a non-conservative amino acid change in the encoded protein sequence. Five of five in-silico tools predict a damaging effect of the variant on protein function. The variant was absent in 251532 control chromosomes. c.61G>A has been reported in the literature in individuals affected with Familial Hypocalciuric Hypercalcemia (Nissen_2007, Kim_2011, Invitae). These data indicate that the variant is likely to be associated with disease. To our knowledge, no experimental evidence demonstrating an impact on protein function has been reported. The following publications have been ascertained in the context of this evaluation (PMID: 17698911, NOT_FOUND). ClinVar contains an entry for this variant (Variation ID: 420105). Based on the evidence outlined above, the variant was classified as pathogenic.

Center for Genomic Medicine, Rigshospitalet, Copenhagen University Hospital
Classification: Uncertain significance. Last evaluated: 2025-03-04. Review status: criteria provided, single submitter. Criteria: ACMG Guidelines, 2015. Collection method: clinical testing. Allele origin: germline.

Ambry Genetics
Classification: Uncertain significance for Nephrolithiasis/nephrocalcinosis. Last evaluated: 2024-10-09. Review status: criteria provided, single submitter. Criteria: Ambry Variant Classification Scheme 2023. Collection method: clinical testing. Allele origin: germline.
Comment: The p.G21R variant (also known as c.61G>A), located in coding exon 1 of the CASR gene, results from a G to A substitution at nucleotide position 61. The glycine at codon 21 is replaced by arginine, an amino acid with dissimilar properties. This alteration was identified in an individual with clinical symptoms of familial hypocalciuric hypercalcemia (FHH) (Nissen PH et al. J Clin Endocrinol Metab, 2007 Nov;92:4373-9). This amino acid position is highly conserved in available vertebrate species. In addition, this alteration is predicted to be deleterious by in silico analysis. Based on the available evidence, the clinical significance of this variant remains unclear.

Molecular Genetics, Royal Melbourne Hospital
Classification: Likely pathogenic for Familial hypocalciuric hypercalcemia 1. Last evaluated: 2024-09-08. Review status: criteria provided, single submitter. Criteria: ACMG Guidelines, 2015. Collection method: clinical testing. Allele origin: germline. Inheritance: Autosomal dominant inheritance. Affected: yes.
Comment: This sequence change in CASR is predicted to replace glycine with arginine at codon 21, p.(Gly21Arg). The glycine residue is highly conserved (100 vertebrates, Multiz Alignments), and is located in the extracellular domain. There is a large physicochemical difference between glycine and arginine. CASR, in which the variant was identified, is a gene significantly constrained for missense variation and where pathogenic missense variants are a common mechanism of disease (gnomAD v4.1). The highest population minor allele frequency in the population database gnomAD v4.1 is 0.0003% (3/1,180,010 alleles) in the European (non-Finnish) population, consistent with hypercalcemia. This variant has been reported in multiple individuals with hypercalcaemia or a clinical diagnosis of familial hypocalciuric hypercalcaemia (FHH) and segregates with FHH in at least one family (PMID: 17698911, 32593617; personal communication: Invitae, GeneDx). Computational evidence predicts a deleterious effect for the missense substitution (REVEL = 0.73) and predicts an impact on splicing (SpliceAI) for the nucleotide change. RNA assays have not been conducted to confirm this prediction. The variant has conflicting classifications of pathogenicity (ClinVar ID: 420105). Based on the classification scheme RMH Modified ACMG/AMP Guidelines v1.7.0, this variant is classified as LIKELY PATHOGENIC. Following criteria are met: PS4_Moderate, PM2_Supporting, PP1, PP2, PP3.

Clinical Genetics Laboratory, Skane University Hospital Lund
Classification: Likely pathogenic. Last evaluated: 2024-03-26. Review status: criteria provided, single submitter. Criteria: ACMG Guidelines, 2015. Collection method: clinical testing. Allele origin: germline. Affected: yes.

Athena Diagnostics
Classification: Likely pathogenic. Last evaluated: 2023-08-11. Review status: criteria provided, single submitter. Criteria: Athena Diagnostics Criteria. Collection method: clinical testing. Allele origin: unknown.
Comment: This variant has been identified in multiple unrelated individuals with clinical features associated with autosomal dominant hypocalciuric hypercalcemia. This variant has not been reported in large, multi-ethnic general populations. Computational tools predict that this variant is damaging.

Blueprint Genetics
Classification: Likely pathogenic for CASR-related disorders. Last evaluated: 2023-05-09. Review status: criteria provided, single submitter. Criteria: ACMG Guidelines, 2015. Collection method: clinical testing. Allele origin: germline. Affected: yes. Observed: 2 variant alleles.

GeneDx
Classification: Uncertain significance. Last evaluated: 2019-09-18. Review status: criteria provided, single submitter. Criteria: GeneDx Variant Classification Process June 2021. Collection method: clinical testing. Allele origin: germline. Affected: yes.
Comment: Not observed in large population cohorts (Lek 2016); In silico analysis, which includes protein predictors and evolutionary conservation, supports that this variant does not alter protein structure/function; Observed in individuals with suspected familial hypocalciuric hypercalcemia (Nissen 2007, Vargas-Poussou 2016); This variant is associated with the following publications: (PMID: 17698911, 26963950)

Literature cited by the submitters: PubMed 17698911 (cited by 6 submitters); PubMed 26963950 (cited by 3 submitters); PubMed 32593617 (cited by Molecular Genetics, Royal Melbourne Hospital and Athena Diagnostics); PubMed 22192860 (cited by Athena Diagnostics).